The following is an entry in ClinVar:

ClinVar aggregate classification (germline): Conflicting classifications of pathogenicity. Review status: criteria provided, conflicting classifications (1 of 4 stars). 2 submissions from 2 submitters: Uncertain significance (1); Benign (1). Last evaluated 2025-07-28.

Allele frequency attached by ClinVar (database versions not stated): gnomAD 0.00001; TOPMed 0.00001; gnomAD exomes 0.00004 and 0.00008; ExAC 0.00009.
gnomAD v4.1: 68 of 1,612,918 alleles (0.0042%); highest among the groups gnomAD compares: South Asian, 0.052%; 2 homozygotes.

Submissions (2):

GeneDx
Classification: Uncertain significance. Last evaluated: 2025-07-28. Review status: criteria provided, single submitter. Criteria: GeneDx Variant Classification Process June 2021. Collection method: clinical testing. Allele origin: germline. Affected: yes.
Comment: In silico analysis supports that this missense variant has a deleterious effect on protein structure/function; Has not been previously published as pathogenic or benign to our knowledge

Labcorp Genetics (formerly Invitae), Labcorp
Classification: Benign. Last evaluated: 2023-12-03. Review status: criteria provided, single submitter. Criteria: Invitae Variant Classification Sherloc (09022015). Collection method: clinical testing. Allele origin: germline.

NM_194248.3(OTOF):c.3682C>T (p.Arg1228Cys)

Gene: OTOF (otoferlin; minus strand). Cytogenetic location: 2p23.3.
Variant type: single nucleotide variant.
Coding change: c.3682C>T on transcript NM_194248.3 (MANE Select); coding-DNA position 3682, C replaced by T.
Protein change: p.Arg1228Cys; replaces arginine 1228 with cysteine.
Molecular consequence: missense variant.
Genome position (GRCh38, 1-based): chr2:26,473,183, G>A on the plus strand (C>T on the coding strand, the complement: OTOF is on the minus strand). VCF-style: chr2-26473183-G-A. GRCh37 (hg19) VCF-style: chr2-26696051-G-A.
Other names: c.3682C>T, p.Arg1228Cys (NM_001287489.2); c.1441C>T, p.Arg481Cys (NM_004802.4, NM_194323.3); c.1612C>T, p.Arg538Cys (NM_194322.3); short protein forms R1228C, R481C, R538C.
Identifiers: ClinVar variation 1624630 (VCV001624630.9), dbSNP rs774452184, ClinGen allele CA1563482.
Genomic context (GRCh38, chr2:26,473,183, plus strand): 5'-TGGCCATACCCGTGGTGTTCCAGCTGGGGGCCGAGCGGTCTGGGGGCCGGTAGATGAAGC[G>A]TCGCAGGGAGCTGACGGCATGGGAGCCCACCAGTGTGTAGCGACCGAAGGCCCGGCAGTC-3'
Protein context (NP_919224.1, residues 1218-1238): VGSHAVSSLR[Arg1228Cys]FIYRPPDRSA